The following is an entry in ClinVar:

ClinVar aggregate classification (germline): Uncertain significance. Review status: criteria provided, multiple submitters, no conflicts (2 of 4 stars). 3 submissions from 3 submitters: Uncertain significance (3). Last evaluated 2025-11-24.

Conditions:
PEX5-related disorder. Also called: PEX5-Related Disorders; PEX5-related condition.
Inborn genetic diseases. Identifiers: MedGen C0950123, MeSH D030342.
Peroxisome biogenesis disorder 2B (PBD2B). Identifiers: Orphanet 44, MedGen C3550234, MONDO:0008736, OMIM 202370.

Allele frequency attached by ClinVar (database versions not stated): ExAC 0.00002; gnomAD exomes 0.00002 and 0.00004; gnomAD 0.00004; TOPMed 0.00005; ESP Exome Variant Server 0.00008.
gnomAD v4.1: 16 of 1,597,518 alleles (0.001%); highest among the groups gnomAD compares: East Asian, 0.009%; no homozygotes.

Submissions (3):

Ambry Genetics
Classification: Uncertain significance for Inborn genetic diseases. Last evaluated: 2025-11-24. Review status: criteria provided, single submitter. Criteria: Ambry Variant Classification Scheme 2023. Collection method: clinical testing. Allele origin: germline.

PreventionGenetics, part of Exact Sciences
Classification: Uncertain significance for PEX5-related condition. Last evaluated: 2025-09-30. Review status: criteria provided, single submitter. Criteria: ACMG Guidelines, 2015. Collection method: clinical testing. Allele origin: germline.
Comment: The PEX5 c.1640G>A variant is predicted to result in the amino acid substitution p.Arg547Gln. To our knowledge, this variant has not been reported in the literature. This variant is reported in 0.040% of alleles in individuals of East Asian descent in gnomAD. At this time, the clinical significance of this variant is uncertain due to the absence of conclusive functional and genetic evidence.

Labcorp Genetics (formerly Invitae), Labcorp
Classification: Uncertain significance for Peroxisome biogenesis disorder 2B. Last evaluated: 2022-08-19. Review status: criteria provided, single submitter. Criteria: Invitae Variant Classification Sherloc (09022015). Collection method: clinical testing. Allele origin: germline.
Comment: This sequence change replaces arginine, which is basic and polar, with glutamine, which is neutral and polar, at codon 547 of the PEX5 protein (p.Arg547Gln). This variant is present in population databases (rs371462892, gnomAD 0.03%). This variant has not been reported in the literature in individuals affected with PEX5-related conditions. ClinVar contains an entry for this variant (Variation ID: 1449459). Algorithms developed to predict the effect of missense changes on protein structure and function are either unavailable or do not agree on the potential impact of this missense change (SIFT: "Tolerated"; PolyPhen-2: "Possibly Damaging"; Align-GVGD: "Class C0"). Algorithms developed to predict the effect of sequence changes on RNA splicing suggest that this variant may create or strengthen a splice site. In summary, the available evidence is currently insufficient to determine the role of this variant in disease. Therefore, it has been classified as a Variant of Uncertain Significance.

NM_001351132.2(PEX5):c.1640G>A (p.Arg547Gln)

Gene: PEX5 (peroxisomal biogenesis factor 5; plus strand). Cytogenetic location: 12p13.31.
Variant type: single nucleotide variant.
Coding change: c.1640G>A on transcript NM_001351132.2 (MANE Select); coding-DNA position 1640, G replaced by A.
Protein change: p.Arg547Gln; replaces arginine 547 with glutamine.
Molecular consequence: missense variant.
Genome position (GRCh38, 1-based): chr12:7,209,762, G>A. VCF-style: chr12-7209762-G-A. GRCh37 (hg19) VCF-style: chr12-7362358-G-A.
Other names: c.1529G>A, p.Arg510Gln (NM_001351128.2, NM_001351130.3, NM_001351137.3 and 7 more transcripts); c.1640G>A, p.Arg547Gln (NM_001351131.2, NM_001351133.2, NM_001351134.2 and 4 more transcripts); c.1574G>A, p.Arg525Gln (NM_001351135.3, NM_001351138.2); c.1631G>A, p.Arg544Gln (NM_001351136.2); c.1640G>A (NM_001131025.1); c.1616G>A, p.Arg539Gln (NM_000319.5); c.1685G>A, p.Arg562Gln (NM_001131023.2); c.1505G>A, p.Arg502Gln (NM_001351139.2, NM_001351140.2, NM_001374649.2); short protein forms R525Q, R539Q, R547Q, R502Q, R510Q, R544Q, R562Q.
Identifiers: ClinVar variation 1449459 (VCV001449459.5), dbSNP rs371462892, ClinGen allele CA6426534.